The following is an entry in ClinVar:

ClinVar aggregate classification (germline): Conflicting classifications of pathogenicity. Review status: criteria provided, conflicting classifications (1 of 4 stars). 3 submissions from 3 submitters: Uncertain significance (1); Benign (1); Likely benign (1). Last evaluated 2025-05-07.

Conditions:
Pitt-Hopkins-like syndrome 2 (PTHSL2). Identifiers: Orphanet 221150, Orphanet 600663, MedGen C3280479, MONDO:0013690, OMIM 614325.

Allele frequency attached by ClinVar (database versions not stated): gnomAD exomes 0.00002 and 0.00006; TOPMed 0.00002; gnomAD 0.00003 and 0.00004; ExAC 0.00007.
gnomAD v4.1: 39 of 1,613,342 alleles (0.0024%); highest among the groups gnomAD compares: East Asian, 0.025%; no homozygotes.

Submissions (3):

Labcorp Genetics (formerly Invitae), Labcorp
Classification: Benign for Pitt-Hopkins-like syndrome 2. Last evaluated: 2025-05-07. Review status: criteria provided, single submitter. Criteria: Invitae Variant Classification Sherloc (09022015). Collection method: clinical testing. Allele origin: germline.

GeneDx
Classification: Likely benign. Last evaluated: 2019-02-01. Review status: criteria provided, single submitter. Criteria: GeneDx Variant Classification Process June 2021. Collection method: clinical testing. Allele origin: germline. Affected: yes.
Comment: This variant is associated with the following publications: (PMID: 22405623)

Eurofins Ntd Llc (ga)
Classification: Uncertain significance. Last evaluated: 2016-07-22. Review status: criteria provided, single submitter. Criteria: EGL Classification Definitions 2015. Collection method: clinical testing. Allele origin: germline. Observed: 1 variant allele, 1 heterozygote.

NM_001330078.2(NRXN1):c.3403A>G (p.Ile1135Val)

Gene: NRXN1 (neurexin 1; minus strand). Cytogenetic location: 2p16.3.
Variant type: single nucleotide variant.
Coding change: c.3403A>G on transcript NM_001330078.2 (MANE Select); coding-DNA position 3403, A replaced by G.
Protein change: p.Ile1135Val; replaces isoleucine 1135 with valine.
Molecular consequence: missense variant.
Genome position (GRCh38, 1-based): chr2:50,236,932, T>C on the plus strand (A>G on the coding strand, the complement: NRXN1 is on the minus strand). VCF-style: chr2-50236932-T-C. GRCh37 (hg19) VCF-style: chr2-50464070-T-C.
Other names: c.3523A>G, p.Ile1175Val (NM_001135659.3); c.3379A>G, p.Ile1127Val (NM_001330077.2, NM_001330082.2); c.3337A>G, p.Ile1113Val (NM_001330083.2, NM_001330084.2); c.3376A>G, p.Ile1126Val (NM_001330085.2); c.3403A>G, p.Ile1135Val (NM_001330086.2, NM_004801.6); c.3292A>G, p.Ile1098Val (NM_001330087.2, NM_001330096.2); c.3322A>G, p.Ile1108Val (NM_001330088.2); c.298A>G, p.Ile100Val (NM_001330091.2, NM_001330092.2, NM_001330097.2 and 1 more transcripts); and 3 more; short protein forms I1175V, I100V, I1098V, I1113V, I1127V, I1131V, I1135V, I1118V.
Identifiers: ClinVar variation 289498 (VCV000289498.14), dbSNP rs765360600, ClinGen allele CA1654462.